The following is an entry in ClinVar:

NM_001324144.2(ZNF41):c.2215A>T (p.Ile739Leu)

Gene: ZNF41 (zinc finger protein 41; minus strand). Cytogenetic location: Xp11.3.
Variant type: single nucleotide variant.
Coding change: c.2215A>T on transcript NM_001324144.2 (MANE Select); coding-DNA position 2215, A replaced by T.
Protein change: p.Ile739Leu; replaces isoleucine 739 with leucine.
Molecular consequence: missense variant.
Genome position (GRCh38, 1-based): chrX:47,447,555, T>A on the plus strand (A>T on the coding strand, the complement: ZNF41 is on the minus strand). VCF-style: chrX-47447555-T-A. GRCh37 (hg19) VCF-style: chrX-47306954-T-A.
Other names: c.1957A>T, p.Ile653Leu (NM_001324139.2, NM_001324141.2, NM_001324143.2 and 3 more transcripts); c.2215A>T, p.Ile739Leu (NM_001324140.2, NM_001324147.2, NM_001324150.2 and 2 more transcripts); c.2221A>T, p.Ile741Leu (NM_001324142.2, NM_001324148.2); c.2245A>T, p.Ile749Leu (NM_001324151.2, NM_001324153.2); c.2317A>T, p.Ile773Leu (NM_001324154.1); c.2341A>T, p.Ile781Leu (NM_001324155.1); c.2113A>T, p.Ile705Leu (NM_001324156.1); c.2107A>T, p.Ile703Leu (NM_001324157.1); short protein forms I739L, I703L, I741L, I749L, I653L, I773L, I781L, I705L.
Identifiers: ClinVar variation 590207 (VCV000590207.3), dbSNP rs145129774, ClinGen allele CA10397611.
Genomic context (GRCh38, chrX:47,447,555, plus strand): 5'-TGTCAGTAAAGGCCTTCTGACATTCTGTACAAGCATAAGGTTTCTTTCCTGTATGAATTA[T>A]CTGATGCATACTTAGTGTGGCTTTCTGGATGAAAGCTTTCCCACATTTACTACATTCATA-3'
Protein context (NP_001311073.1, residues 729-749): IQKATLSMHQ[Ile739Leu]IHTGKKPYAC

ClinVar aggregate classification (germline): Uncertain significance (1 of 4 stars; one submission).

Conditions:
History of neurodevelopmental disorder. Identifiers: MedGen C2711754.

Allele frequency attached by ClinVar (database versions not stated): gnomAD exomes 0.00018 and 0.00052; ExAC 0.00081; gnomAD 0.00170 and 0.00174; 1000 Genomes Project 0.00212; TOPMed 0.00215; ESP Exome Variant Server 0.00227; 1000 Genomes Project 30x 0.00250.
gnomAD v4.1: 393 of 1,210,517 alleles (0.032%); highest among the groups gnomAD compares: African/African-American, 0.63%; 2 homozygotes.

Submission:

Ambry Genetics
Classification: Uncertain significance for History of neurodevelopmental disorder. Last evaluated: 2010-12-01. Review status: criteria provided, single submitter. Criteria: Ambry Autosomal Dominant and X-Linked criteria (10/2015). Collection method: clinical testing. Allele origin: germline. Observed: 1 variant allele.
Comment: There is insufficient or conflicting evidence for classification of this alteration.